The following is an entry in ClinVar:

ClinVar aggregate classification (germline): Uncertain significance. Review status: criteria provided, multiple submitters, no conflicts (2 of 4 stars). 2 submissions from 2 submitters: Uncertain significance (2). Last evaluated 2025-07-21.

Allele frequency attached by ClinVar (database versions not stated): gnomAD 0.00003; TOPMed 0.00003; ExAC 0.00011.
gnomAD v4.1: 54 of 1,613,766 alleles (0.0033%); highest among the groups gnomAD compares: Non-Finnish European, 0.0045%; no homozygotes.

Submissions (2):

Labcorp Genetics (formerly Invitae), Labcorp
Classification: Uncertain significance. Last evaluated: 2025-07-21. Review status: criteria provided, single submitter. Criteria: Invitae Variant Classification Sherloc (09022015). Collection method: clinical testing. Allele origin: germline.
Comment: This sequence change replaces threonine, which is neutral and polar, with isoleucine, which is neutral and non-polar, at codon 264 of the REPS1 protein (p.Thr264Ile). This variant is present in population databases (rs771402235, gnomAD 0.01%). This variant has not been reported in the literature in individuals affected with REPS1-related conditions. ClinVar contains an entry for this variant (Variation ID: 1983121). Invitae Evidence Modeling of protein sequence and biophysical properties (such as structural, functional, and spatial information, amino acid conservation, physicochemical variation, residue mobility, and thermodynamic stability) indicates that this missense variant is not expected to disrupt REPS1 protein function with a negative predictive value of 80%. In summary, the available evidence is currently insufficient to determine the role of this variant in disease. Therefore, it has been classified as a Variant of Uncertain Significance.

Ambry Genetics
Classification: Uncertain significance. Last evaluated: 2024-11-25. Review status: criteria provided, single submitter. Criteria: Ambry Variant Classification Scheme 2023. Collection method: clinical testing. Allele origin: germline.

NM_001286611.2(REPS1):c.791C>T (p.Thr264Ile)

Gene: REPS1 (RALBP1 associated Eps domain containing 1; minus strand). Cytogenetic location: 6q24.1.
Variant type: single nucleotide variant.
Coding change: c.791C>T on transcript NM_001286611.2 (MANE Select); coding-DNA position 791, C replaced by T.
Protein change: p.Thr264Ile; replaces threonine 264 with isoleucine.
Molecular consequence: missense variant.
Genome position (GRCh38, 1-based): chr6:138,943,978, G>A on the plus strand (C>T on the coding strand, the complement: REPS1 is on the minus strand). VCF-style: chr6-138943978-G-A. GRCh37 (hg19) VCF-style: chr6-139265115-G-A.
Other names: c.791C>T (NM_031922.3); c.791C>T, p.Thr264Ile (NM_001128617.3, NM_001286612.2, NM_031922.5); short protein forms T264I.
Identifiers: ClinVar variation 1983121 (VCV001983121.5), dbSNP rs771402235, ClinGen allele CA4024356.